The following is an entry in ClinVar:

ClinVar aggregate classification (germline): Uncertain significance (1 of 4 stars; one submission).

Allele frequency attached by ClinVar (database versions not stated): TOPMed 0.00002.

Submission:

Labcorp Genetics (formerly Invitae), Labcorp
Classification: Uncertain significance. Last evaluated: 2023-11-28. Review status: criteria provided, single submitter. Criteria: Invitae Variant Classification Sherloc (09022015). Collection method: clinical testing. Allele origin: germline.
Comment: This sequence change replaces isoleucine, which is neutral and non-polar, with valine, which is neutral and non-polar, at codon 647 of the ADGRV1 protein (p.Ile647Val). This variant is not present in population databases (gnomAD no frequency). This variant has not been reported in the literature in individuals affected with ADGRV1-related conditions. ClinVar contains an entry for this variant (Variation ID: 1365694). Advanced modeling of protein sequence and biophysical properties (such as structural, functional, and spatial information, amino acid conservation, physicochemical variation, residue mobility, and thermodynamic stability) performed at Invitae indicates that this missense variant is not expected to disrupt ADGRV1 protein function with a negative predictive value of 95%. In summary, the available evidence is currently insufficient to determine the role of this variant in disease. Therefore, it has been classified as a Variant of Uncertain Significance.

NM_032119.4(ADGRV1):c.1939A>G (p.Ile647Val)

Gene: ADGRV1 (adhesion G protein-coupled receptor V1; plus strand). Cytogenetic location: 5q14.3.
Variant type: single nucleotide variant.
Coding change: c.1939A>G on transcript NM_032119.4 (MANE Select); coding-DNA position 1939, A replaced by G.
Protein change: p.Ile647Val; replaces isoleucine 647 with valine.
Molecular consequence: missense variant. On other transcripts: non-coding transcript variant (1).
Genome position (GRCh38, 1-based): chr5:90,635,213, A>G. VCF-style: chr5-90635213-A-G. GRCh37 (hg19) VCF-style: chr5-89931030-A-G.
Other names: short protein forms I647V.
Identifiers: ClinVar variation 1365694 (VCV001365694.6), dbSNP rs930541943, ClinGen allele CA121829789.